The following is an entry in ClinVar:

NM_139057.4(ADAMTS17):c.2038A>G (p.Ile680Val)

Gene: ADAMTS17 (ADAM metallopeptidase with thrombospondin type 1 motif 17; minus strand). Cytogenetic location: 15q26.3.
Variant type: single nucleotide variant.
Coding change: c.2038A>G on transcript NM_139057.4 (MANE Select); coding-DNA position 2038, A replaced by G.
Protein change: p.Ile680Val; replaces isoleucine 680 with valine.
Molecular consequence: missense variant.
Genome position (GRCh38, 1-based): chr15:100,096,455, T>C on the plus strand (A>G on the coding strand, the complement: ADAMTS17 is on the minus strand). VCF-style: chr15-100096455-T-C. GRCh37 (hg19) VCF-style: chr15-100636660-T-C.
Other names: short protein forms I680V.
Identifiers: ClinVar variation 2095134 (VCV002095134.4), dbSNP rs1567165993, ClinGen allele CA393694645.

ClinVar aggregate classification (germline): Uncertain significance (1 of 4 stars; one submission).

gnomAD v4.1: 1 of 1,614,186 alleles (0.000062%); no homozygotes.

Submission:

Labcorp Genetics (formerly Invitae), Labcorp
Classification: Uncertain significance. Last evaluated: 2024-10-22. Review status: criteria provided, single submitter. Criteria: Invitae Variant Classification Sherloc (09022015). Collection method: clinical testing. Allele origin: germline.
Comment: This sequence change replaces isoleucine, which is neutral and non-polar, with valine, which is neutral and non-polar, at codon 680 of the ADAMTS17 protein (p.Ile680Val). This variant is not present in population databases (gnomAD no frequency). This variant has not been reported in the literature in individuals affected with ADAMTS17-related conditions. ClinVar contains an entry for this variant (Variation ID: 2095134). An algorithm developed to predict the effect of missense changes on protein structure and function (PolyPhen-2) suggests that this variant is likely to be disruptive. In summary, the available evidence is currently insufficient to determine the role of this variant in disease. Therefore, it has been classified as a Variant of Uncertain Significance.